The following is an entry in ClinVar:

ClinVar aggregate classification (germline): Uncertain significance. Review status: criteria provided, single submitter (1 of 4 stars). 2 submissions from 2 submitters: Uncertain significance (1). 1 of the submissions does not count toward it. Last evaluated 2016-03-25.

Conditions:
Familial dysautonomia. Also called: FD; HSAN III. Identifiers: Orphanet 1764, MedGen C0013364, MONDO:0009131, OMIM 223900. Disease mechanism: loss of function.

Allele frequency attached by ClinVar (database versions not stated): gnomAD exomes 0.00001 and 0.00003; TOPMed 0.00002; ExAC 0.00003.
gnomAD v4.1: 18 of 1,612,508 alleles (0.0011%); highest among the groups gnomAD compares: South Asian, 0.018%; no homozygotes.

Submissions (2):

GeneDx
Classification: Uncertain significance. Last evaluated: 2016-03-25. Review status: criteria provided, single submitter. Criteria: GeneDx Variant Classification (06012015). Collection method: clinical testing. Allele origin: germline. Affected: yes.
Comment: The K157R variant has not been published as a pathogenic variant, nor has it been reported as a benign variant to our knowledge. It was not observed in approximately 6,500 individuals of European and African American ancestry in the NHLBI Exome Sequencing Project, indicating it is not a common benign variant in these populations. This substitution occurs at a position that is conserved across species. However, the K157R variant is a conservative amino acid substitution, which is not likely to impact secondary protein structure as these residues share similar properties. In silico analysis is inconsistent in its predictions as to whether or not the variant is damaging to the protein structure/function. Therefore, based on the currently available information, it is unclear whether this variant is a pathogenic variant or a rare benign variant.

Natera, Inc.
Classification: Uncertain significance for Familial dysautonomia. Last evaluated: 2020-08-02. Review status: no assertion criteria provided. Collection method: clinical testing. Allele origin: germline. Not counted in ClinVar's aggregate classification.

NM_003640.5(ELP1):c.470A>G (p.Lys157Arg)

Gene: ELP1 (elongator acetyltransferase complex subunit 1; minus strand). Cytogenetic location: 9q31.3.
Variant type: single nucleotide variant.
Coding change: c.470A>G on transcript NM_003640.5 (MANE Select); coding-DNA position 470, A replaced by G.
Protein change: p.Lys157Arg; replaces lysine 157 with arginine.
Molecular consequence: missense variant. On other transcripts: 5 prime UTR variant (1).
Genome position (GRCh38, 1-based): chr9:108,922,924, T>C on the plus strand (A>G on the coding strand, the complement: ELP1 is on the minus strand). VCF-style: chr9-108922924-T-C. GRCh37 (hg19) VCF-style: chr9-111685204-T-C.
Other names: c.470A>G (LRG_251t1); c.128A>G, p.Lys43Arg (NM_001318360.2); c.-390A>G (NM_001330749.2); short protein forms K157R, K43R.
Identifiers: ClinVar variation 242313 (VCV000242313.3), dbSNP rs557686367, ClinGen allele CA5175337.
Genomic context (GRCh38, chr9:108,922,924, plus strand): 5'-TGTCTGCCTTCTGATCCATGGAACTGTGTCTCCTTCCTACCCCATCCAACAGTGATAAAC[T>C]TGCCTACAGAACAATTGGCAAGACAACTAATAAGCCACATGAAATGAAACAAAAACAGTT-3'
Protein context (NP_003631.2, residues 147-167): QIHQDDFGES[Lys157Arg]FITVGWGRKE